The following is an entry in ClinVar:

NC_000019.10:g.39480750_39480751delinsTGGTC

Gene: TIMM50 (translocase of inner mitochondrial membrane 50; plus strand). Cytogenetic location: 19q13.2.
Variant type: Indel.
Genome position: GRCh38 VCF-style: chr19-39480750-CT-TGGTC. GRCh37 (hg19) VCF-style: chr19-39971390-CT-TGGTC.
Identifiers: ClinVar variation 2050400 (VCV002050400.4), dbSNP rs2514609097, ClinGen allele CA2580097226.
Genomic context (GRCh38, chr19:39,480,750, plus strand): 5'-GACTAGTCAGAAGCAAACGCGCCTGCGGCAATCCGCCCGATGCCTTTGGTCTCTCTCGGG[CT>TGGTC]TCCGTCCACCCGCCCCTCCCCCGCGTTTCCATTGGCTGTAGCTCCGGCCCGGGGCGGGCG-3'

ClinVar aggregate classification (germline): Uncertain significance (1 of 4 stars; one submission).

Submission:

Labcorp Genetics (formerly Invitae), Labcorp
Classification: Uncertain significance. Last evaluated: 2021-12-20. Review status: criteria provided, single submitter. Criteria: Invitae Variant Classification Sherloc (09022015). Collection method: clinical testing. Allele origin: germline.
Comment: In summary, the available evidence is currently insufficient to determine the role of this variant in disease. Therefore, it has been classified as a Variant of Uncertain Significance. Experimental studies and prediction algorithms are not available or were not evaluated, and the functional significance of this variant is currently unknown. This variant has not been reported in the literature in individuals affected with TIMM50-related conditions. This variant is not present in population databases (gnomAD no frequency). This variant, c.206_207delinsTGGTC, is a complex sequence change that results in the deletion of 1 and insertion of 2 amino acid(s) in the TIMM50 protein (p.Ala69delinsValVal).